The following is an entry in ClinVar:

NM_198428.3(BBS9):c.2488G>A (p.Asp830Asn)

Gene: BBS9 (Bardet-Biedl syndrome 9; plus strand). Cytogenetic location: 7p14.3.
Variant type: single nucleotide variant.
Coding change: c.2488G>A on transcript NM_198428.3 (MANE Select); coding-DNA position 2488, G replaced by A.
Protein change: p.Asp830Asn; replaces aspartic acid 830 with asparagine.
Molecular consequence: missense variant. On other transcripts: non-coding transcript variant (3).
Genome position (GRCh38, 1-based): chr7:33,534,143, G>A. VCF-style: chr7-33534143-G-A. GRCh37 (hg19) VCF-style: chr7-33573755-G-A.
Other names: c.2383G>A, p.Asp795Asn (NM_001033604.2); c.2473G>A, p.Asp825Asn (NM_001033605.2); c.2488G>A, p.Asp830Asn (NM_001348036.1, NM_001348041.4, NM_001348043.3 and 1 more transcripts); c.1939G>A, p.Asp647Asn (NM_001348037.3); c.2215G>A, p.Asp739Asn (NM_001348038.3); c.2110G>A, p.Asp704Asn (NM_001348039.3); c.2368G>A, p.Asp790Asn (NM_001348040.3, NM_014451.4); c.2353G>A, p.Asp785Asn (NM_001348042.3); and 2 more; short protein forms D830N, D647N, D739N, D790N, D673N, D708N, D785N, D795N.
Identifiers: ClinVar variation 387922 (VCV000387922.17), dbSNP rs368704638, ClinGen allele CA4214700.
Genomic context (GRCh38, chr7:33,534,143, plus strand): 5'-AAACATATCACCTTGCTCTGCGATAGATTATCCAAAGGTGGCCGTCTCTGCCTAAGTACC[G>A]ATGCAGCAGCCCCACAGACCATGGTCATGCCAGGTAAGAGCTCTGTCCATGCTCCCTAAT-3'
Protein context (NP_940820.1, residues 820-840): SKGGRLCLST[Asp830Asn]AAAPQTMVMP

ClinVar aggregate classification (germline): Uncertain significance. Review status: criteria provided, multiple submitters, no conflicts (2 of 4 stars). 8 submissions from 8 submitters: Uncertain significance (7). 1 of the submissions does not count toward it. Last evaluated 2025-12-09.

Conditions:
BBS9-related disorder. Also called: BBS9-related condition.
Inborn genetic diseases. Identifiers: MedGen C0950123, MeSH D030342.
Retinal dystrophy. Also called: Inherited retinal dystrophy. Identifiers: Orphanet 71862, MedGen C0854723, MeSH D058499, MONDO:0019118, HP:0000556.
Bardet-Biedl syndrome (BBS). Identifiers: Orphanet 110, MedGen C0752166, MONDO:0015229.
Bardet-Biedl syndrome 9 (BBS9). Identifiers: Orphanet 110, MedGen C1859567, MONDO:0014437, OMIM 615986.

Allele frequency attached by ClinVar (database versions not stated): gnomAD 0.00003; TOPMed 0.00007; ESP Exome Variant Server 0.00008.
gnomAD v4.1: 106 of 1,614,040 alleles (0.0066%); highest among the groups gnomAD compares: Non-Finnish European, 0.0084%; no homozygotes.

Submissions (8):

GeneDx
Classification: Uncertain significance. Last evaluated: 2025-12-09. Review status: criteria provided, single submitter. Criteria: GeneDx Variant Classification Process June 2021. Collection method: clinical testing. Allele origin: germline. Affected: yes.
Comment: In silico analysis suggests that this missense variant does not alter protein structure/function; Has not been previously published as pathogenic or benign to our knowledge

Labcorp Genetics (formerly Invitae), Labcorp
Classification: Uncertain significance for Bardet-Biedl syndrome. Last evaluated: 2025-10-26. Review status: criteria provided, single submitter. Criteria: Invitae Variant Classification Sherloc (09022015). Collection method: clinical testing. Allele origin: germline.
Comment: This sequence change replaces aspartic acid, which is acidic and polar, with asparagine, which is neutral and polar, at codon 830 of the BBS9 protein (p.Asp830Asn). This variant is present in population databases (rs368704638, gnomAD 0.007%). This variant has not been reported in the literature in individuals affected with BBS9-related conditions. ClinVar contains an entry for this variant (Variation ID: 387922). Invitae Evidence Modeling of protein sequence and biophysical properties (such as structural, functional, and spatial information, amino acid conservation, physicochemical variation, residue mobility, and thermodynamic stability) indicates that this missense variant is not expected to disrupt BBS9 protein function with a negative predictive value of 80%. In summary, the available evidence is currently insufficient to determine the role of this variant in disease. Therefore, it has been classified as a Variant of Uncertain Significance.

PreventionGenetics, part of Exact Sciences
Classification: Uncertain significance for BBS9-related condition. Last evaluated: 2025-09-03. Review status: criteria provided, single submitter. Criteria: ACMG Guidelines, 2015. Collection method: clinical testing. Allele origin: germline.
Comment: The BBS9 c.2488G>A variant is predicted to result in the amino acid substitution p.Asp830Asn. To our knowledge, this variant has not been reported in the literature. This variant is reported in 0.0065% of alleles in individuals of South Asian descent in gnomAD. At this time, the clinical significance of this variant is uncertain due to the absence of conclusive functional and genetic evidence.

Ambry Genetics
Classification: Uncertain significance for Inborn genetic diseases. Last evaluated: 2024-12-09. Review status: criteria provided, single submitter. Criteria: Ambry Variant Classification Scheme 2023. Collection method: clinical testing. Allele origin: germline.

Fulgent Genetics
Classification: Uncertain significance for Bardet-Biedl syndrome 9. Last evaluated: 2024-06-03. Review status: criteria provided, single submitter. Criteria: ACMG Guidelines, 2015. Collection method: clinical testing. Allele origin: germline.

Blueprint Genetics
Classification: Uncertain significance. Last evaluated: 2019-12-04. Review status: criteria provided, single submitter. Criteria: ACMG Guidelines, 2015. Collection method: clinical testing. Allele origin: germline.

Illumina Laboratory Services, Illumina
Classification: Uncertain significance for Bardet-Biedl syndrome 9. Last evaluated: 2018-01-13. Review status: criteria provided, single submitter. Criteria: ICSL Variant Classification Criteria 13 December 2019. Collection method: clinical testing. Allele origin: germline.

Institute of Human Genetics, Univ. Regensburg, Univ. Regensburg
Classification: Uncertain significance for Retinal dystrophy. Last evaluated: 2022-01-01. Review status: no assertion criteria provided. Criteria: ACMG Guidelines, 2015. Collection method: clinical testing. Allele origin: germline. Affected: yes. Not counted in ClinVar's aggregate classification.